The following is an entry in ClinVar:

ClinVar aggregate classification (germline): Pathogenic. Review status: reviewed by expert panel (3 of 4 stars). 3 submissions from 3 submitters: Pathogenic (1). 2 of the submissions do not count toward it. Last evaluated 2016-09-08.

Conditions:
Breast-ovarian cancer, familial, susceptibility to, 1 (BROVCA1). Also called: BRCA1 Hereditary Breast and Ovarian Cancer; OVARIAN CANCER, SUSCEPTIBILITY TO. Identifiers: Orphanet 145, MedGen C2676676, MONDO:0011450, OMIM 604370. Disease mechanism: loss of function.

Submissions (3):

Evidence-based Network for the Interpretation of Germline Mutant Alleles (ENIGMA)
Classification: Pathogenic for Breast-ovarian cancer, familial, susceptibility to, 1. Last evaluated: 2016-09-08. Review status: reviewed by expert panel. Criteria: ENIGMA BRCA1/2 Classification Criteria (2015). Collection method: curation. Allele origin: germline.
Comment: Variant allele predicted to encode a truncated non-functional protein.

Consortium of Investigators of Modifiers of BRCA1/2 (CIMBA), c/o University of Cambridge
Classification: Pathogenic for Breast-ovarian cancer, familial, susceptibility to, 1. Last evaluated: 2015-10-02. Review status: criteria provided, single submitter. Criteria: CIMBA Mutation Classification guidelines May 2016. Collection method: clinical testing. Allele origin: germline. Not counted in ClinVar's aggregate classification.

Breast Cancer Information Core (BIC) (BRCA1)
Classification: Uncertain significance for Breast-ovarian cancer, familial 1. Last evaluated: 2010-09-18. Review status: no assertion criteria provided. Collection method: clinical testing. Allele origin: germline. Affected: yes. Observed: 1 variant allele. Not counted in ClinVar's aggregate classification.

NM_007294.4(BRCA1):c.61del (p.Ile21fs)

Gene: BRCA1 (BRCA1 DNA repair associated; minus strand). Cytogenetic location: 17q21.31.
Variant type: Deletion.
Coding change: c.61del on transcript NM_007294.4 (MANE Select); coding-DNA position 61, one base deleted (A; older notation c.61delA).
Protein change: p.Ile21fs; shifts the reading frame from isoleucine 21.
Molecular consequence: frameshift variant. On other transcripts: 5 prime UTR variant (1), non-coding transcript variant (1).
Genome position (GRCh38, 1-based): chr17:43,124,036, T deleted on the plus strand (A on the coding strand, the reverse complement: BRCA1 is on the minus strand); the first of 4 consecutive T bases (chr17:43,124,036-43,124,039); deleting any one gives the same sequence. VCF-style (leftmost placement, unchanged base first): chr17-43124035-AT-A. GRCh37 (hg19) VCF-style: chr17-41276052-AT-A.
Other names: 180delA; c.61delA (NM_007294.3); c.58delA, p.Ile21Serfs (NM_001407973.1, NM_001407974.1, NM_001407975.1 and 191 more transcripts); c.-203delA (NM_001408410.1, NM_001408452.1, NM_001408462.1 and 22 more transcripts); c.-30delA (NM_001408454.1, NM_001408459.1, NM_001408460.1 and 22 more transcripts); c.-200delA (NM_001408455.1, NM_001408456.1, NM_001408468.1 and 11 more transcripts); c.-204delA (NM_001408465.1, NM_001407695.1); c.-131delA (NM_001408478.1, NM_001408479.1, NM_001408480.1 and 46 more transcripts); and 12 more; short protein forms I21fs.
Identifiers: ClinVar variation 55649 (VCV000055649.5), dbSNP rs273902778, ClinGen allele CA003765.
Genomic context (GRCh38, chr17:43,124,035, plus strand): 5'-ATCATAGGAATCCCAAATTAATACACTCTTGTGCTGACTTACCAGATGGGACACTCTAAG[AT>A]TTTCTGCATAGCATTAATGACATTTTGTACTTCTTCAACGCGAAGAGCAGATAAATCCAT-3'